The following is an entry in ClinVar:

NM_032608.7(MYO18B):c.5396G>A (p.Arg1799Gln)

Gene: MYO18B (myosin XVIIIB; plus strand). Cytogenetic location: 22q12.1.
Variant type: single nucleotide variant.
Coding change: c.5396G>A on transcript NM_032608.7 (MANE Select); coding-DNA position 5396, G replaced by A.
Protein change: p.Arg1799Gln; replaces arginine 1799 with glutamine.
Molecular consequence: missense variant.
Genome position (GRCh38, 1-based): chr22:25,921,288, G>A. VCF-style: chr22-25921288-G-A. GRCh37 (hg19) VCF-style: chr22-26317255-G-A.
Other names: p.Arg1799Gln; c.5399G>A, p.Arg1800Gln (NM_001318245.2); c.5396G>A (NM_032608.5, NM_032608.6); short protein forms R1800Q, R1799Q.
Identifiers: ClinVar variation 1444701 (VCV001444701.9), dbSNP rs371283219, ClinGen allele CA10161156.

ClinVar aggregate classification (germline): Uncertain significance. Review status: criteria provided, multiple submitters, no conflicts (2 of 4 stars). 4 submissions from 4 submitters: Uncertain significance (4). Last evaluated 2025-10-06.

Conditions:
Klippel-Feil anomaly-myopathy-facial dysmorphism syndrome. Also called: Klippel-feil syndrome 4, autosomal recessive, with nemaline myopathy and facial dysmorphism; Klippel-Feil syndrome 4, autosomal recessive, with myopathy and facial dysmorphism. Identifiers: Orphanet 447974, MedGen C4225285, MONDO:0014689, OMIM 616549.
Inborn genetic diseases. Identifiers: MedGen C0950123, MeSH D030342.

Allele frequency attached by ClinVar (database versions not stated): gnomAD exomes 0.00002 and 0.00005; gnomAD 0.00003; TOPMed 0.00003; ESP Exome Variant Server 0.00008.
gnomAD v4.1: 32 of 1,554,178 alleles (0.0021%); highest among the groups gnomAD compares: East Asian, 0.017%; no homozygotes.

Submissions (4):

Ambry Genetics
Classification: Uncertain significance for Inborn genetic diseases. Last evaluated: 2025-10-06. Review status: criteria provided, single submitter. Criteria: Ambry Variant Classification Scheme 2023. Collection method: clinical testing. Allele origin: germline.

Revvity Omics, Revvity
Classification: Uncertain significance for Klippel-Feil anomaly-myopathy-facial dysmorphism syndrome. Last evaluated: 2024-08-22. Review status: criteria provided, single submitter. Criteria: ACMG Guidelines, 2015. Collection method: clinical testing. Allele origin: germline.

Labcorp Genetics (formerly Invitae), Labcorp
Classification: Uncertain significance. Last evaluated: 2024-01-17. Review status: criteria provided, single submitter. Criteria: Invitae Variant Classification Sherloc (09022015). Collection method: clinical testing. Allele origin: germline.
Comment: This sequence change replaces arginine, which is basic and polar, with glutamine, which is neutral and polar, at codon 1799 of the MYO18B protein (p.Arg1799Gln). This variant is present in population databases (rs371283219, gnomAD 0.04%). This variant has not been reported in the literature in individuals affected with MYO18B-related conditions. ClinVar contains an entry for this variant (Variation ID: 1444701). An algorithm developed to predict the effect of missense changes on protein structure and function (PolyPhen-2) suggests that this variant is likely to be disruptive. In summary, the available evidence is currently insufficient to determine the role of this variant in disease. Therefore, it has been classified as a Variant of Uncertain Significance.

Mayo Clinic Laboratories, Mayo Clinic
Classification: Uncertain significance. Last evaluated: 2022-11-30. Review status: criteria provided, single submitter. Criteria: ACMG Guidelines, 2015. Collection method: clinical testing. Allele origin: germline. Observed: 1 variant allele.
Comment: PM2